The following is an entry in ClinVar:

NM_001256789.3(CACNA1F):c.3511C>G (p.Arg1171Gly)

Gene: CACNA1F (calcium voltage-gated channel subunit alpha1 F; minus strand). Cytogenetic location: Xp11.23.
Variant type: single nucleotide variant.
Coding change: c.3511C>G on transcript NM_001256789.3 (MANE Select); coding-DNA position 3511, C replaced by G.
Protein change: p.Arg1171Gly; replaces arginine 1171 with glycine.
Molecular consequence: missense variant.
Genome position (GRCh38, 1-based): chrX:49,215,172, G>C on the plus strand (C>G on the coding strand, the complement: CACNA1F is on the minus strand). VCF-style: chrX-49215172-G-C. GRCh37 (hg19) VCF-style: chrX-49071632-G-C.
Other names: c.3349C>G, p.Arg1117Gly (NM_001256790.3); c.3544C>G, p.Arg1182Gly (NM_005183.4); short protein forms R1117G, R1171G, R1182G.
Identifiers: ClinVar variation 1038795 (VCV001038795.8), dbSNP rs782492780, ClinGen allele CA412963200.

ClinVar aggregate classification (germline): Uncertain significance (1 of 4 stars; one submission).

gnomAD v4.1: 2 of 1,210,342 alleles (0.00017%); highest among the groups gnomAD compares: Non-Finnish European, 0.00011%; no homozygotes.

Submission:

Labcorp Genetics (formerly Invitae), Labcorp
Classification: Uncertain significance. Last evaluated: 2020-08-04. Review status: criteria provided, single submitter. Criteria: Invitae Variant Classification Sherloc (09022015). Collection method: clinical testing. Allele origin: germline.
Comment: In summary, the available evidence is currently insufficient to determine the role of this variant in disease. Therefore, it has been classified as a Variant of Uncertain Significance. Algorithms developed to predict the effect of sequence changes on RNA splicing suggest that this variant may create or strengthen a splice site, but this prediction has not been confirmed by published transcriptional studies. Algorithms developed to predict the effect of missense changes on protein structure and function are either unavailable or do not agree on the potential impact of this missense change (SIFT: "Deleterious"; PolyPhen-2: "Benign"; Align-GVGD: "Class C0"). This variant has not been reported in the literature in individuals with CACNA1F-related conditions. This variant is not present in population databases (ExAC no frequency). This sequence change replaces arginine with glycine at codon 1182 of the CACNA1F protein (p.Arg1182Gly). The arginine residue is moderately conserved and there is a moderate physicochemical difference between arginine and glycine.